The following is an entry in ClinVar:

ClinVar aggregate classification (germline): Uncertain significance (1 of 4 stars; one submission).

Conditions:
Niemann-Pick disease, type C1. Also called: NEUROVISCERAL STORAGE DISEASE WITH VERTICAL SUPRANUCLEAR OPHTHALMOPLEGIA; NIEMANN-PICK DISEASE WITH CHOLESTEROL ESTERIFICATION BLOCK; NIEMANN-PICK DISEASE WITHOUT SPHINGOMYELINASE DEFICIENCY; NIEMANN-PICK DISEASE, CHRONIC NEURONOPATHIC FORM; NIEMANN-PICK DISEASE, VARIANT TYPE C1. Identifiers: Orphanet 646, MedGen C3179455, MONDO:0009757, OMIM 257220.

Submission:

Labcorp Genetics (formerly Invitae), Labcorp
Classification: Uncertain significance for Niemann-Pick disease, type C1. Last evaluated: 2021-04-16. Review status: criteria provided, single submitter. Criteria: Invitae Variant Classification Sherloc (09022015). Collection method: clinical testing. Allele origin: germline.
Comment: This variant has not been reported in the literature in individuals with NPC1-related conditions. This variant results in a copy number gain of the genomic region encompassing exon(s) 2-25 of the NPC1 gene. The 5' boundary is likely confined to intron 1. The 3' end of this event is unknown as it extends beyond the assayed region for this gene and therefore may encompass additional genes. As the precise location of this event is unknown, it may be in tandem or it may be located elsewhere in the genome. Experimental studies and prediction algorithms are not available or were not evaluated, and the functional significance of this variant is currently unknown. In summary, the available evidence is currently insufficient to determine the role of this variant in disease. Therefore, it has been classified as a Variant of Uncertain Significance.

NC_000018.9:g.(?_21112166)_(21153558_?)dup

Gene: NPC1 (NPC intracellular cholesterol transporter 1; minus strand). Cytogenetic location: 18q11.2.
Variant type: Duplication.
Identifiers: ClinVar variation 1524394 (VCV001524394.4).